The following is an entry in ClinVar:

NM_004385.5(VCAN):c.6362A>G (p.Gln2121Arg)

Genes: VCAN (versican; plus strand), VCAN-AS1 (VCAN antisense RNA 1; minus strand). Cytogenetic location: 5q14.3.
Variant type: single nucleotide variant.
Coding change: c.6362A>G on transcript NM_004385.5 (MANE Select); coding-DNA position 6362, A replaced by G.
Protein change: p.Gln2121Arg; replaces glutamine 2121 with arginine.
Molecular consequence: missense variant. On other transcripts: intron variant (2).
Genome position (GRCh38, 1-based): chr5:83,539,365, A>G. VCF-style: chr5-83539365-A-G. GRCh37 (hg19) VCF-style: chr5-82835184-A-G.
Other names: c.3401A>G, p.Gln1134Arg (NM_001164097.2); c.4004-6172A>G (NM_001164098.2); c.1043-6172A>G (NM_001126336.3); short protein forms Q1134R, Q2121R.
Identifiers: ClinVar variation 4776918 (VCV004776918.1).

ClinVar aggregate classification (germline): Uncertain significance (1 of 4 stars; one submission).

gnomAD v4.1: 4 of 1,614,006 alleles (0.00025%); highest among the groups gnomAD compares: East Asian, 0.0045%; no homozygotes.

Submission:

Labcorp Genetics (formerly Invitae), Labcorp
Classification: Uncertain significance. Last evaluated: 2025-10-23. Review status: criteria provided, single submitter. Criteria: Invitae Variant Classification Sherloc (09022015). Collection method: clinical testing. Allele origin: germline.
Comment: This sequence change replaces glutamine, which is neutral and polar, with arginine, which is basic and polar, at codon 2121 of the VCAN protein (p.Gln2121Arg). This variant is present in population databases (no rsID available, gnomAD 0.01%). This variant has not been reported in the literature in individuals affected with VCAN-related conditions. An algorithm developed to predict the effect of missense changes on protein structure and function outputs the following: PolyPhen-2: "Benign". The arginine amino acid residue is found in multiple mammalian species, which suggests that this missense change does not adversely affect protein function. In summary, the available evidence is currently insufficient to determine the role of this variant in disease. Therefore, it has been classified as a Variant of Uncertain Significance.